The following is an entry in ClinVar:

ClinVar aggregate classification (germline): Conflicting classifications of pathogenicity. Review status: criteria provided, conflicting classifications (1 of 4 stars). 7 submissions from 7 submitters: Uncertain significance (4); Benign (2); Likely benign (1). Last evaluated 2025-12-03.

Conditions:
Isolated focal cortical dysplasia type II (FCORD2). Also called: CORTICAL DYSPLASIA OF TAYLOR; Focal cortical dysplasia type II. Identifiers: Orphanet 268994, MedGen C1846385, MONDO:0011818, OMIM 607341, HP:0032051.
Tuberous sclerosis 2 (TSC2). Identifiers: Orphanet 805, MedGen C1860707, MONDO:0013199, OMIM 613254.
Lymphangiomyomatosis (LAM). Also called: Lymphangioleiomyomatosis, somatic; Lymphangioleiomyomatosis. Identifiers: Orphanet 538, MedGen C0751674, MONDO:0011705, OMIM 606690.
Tuberous sclerosis syndrome (TSC). Also called: Tuberous Sclerosis Complex; Tuberous sclerosis. Identifiers: Orphanet 805, MedGen C0041341, MONDO:0001734.
Hereditary cancer-predisposing syndrome. Also called: Hereditary neoplastic syndrome; Neoplastic Syndromes, Hereditary; Hereditary Cancer Syndrome; Tumor predisposition. Identifiers: Orphanet 140162, MedGen C0027672, MeSH D009386, MONDO:0015356.

Allele frequency attached by ClinVar (database versions not stated): gnomAD exomes below 0.00001; TOPMed below 0.00001; ExAC 0.00001; gnomAD 0.00001; 1000 Genomes Project 30x 0.00031; 1000 Genomes Project 0.00040.
gnomAD v4.1: 8 of 1,612,992 alleles (0.0005%); highest among the groups gnomAD compares: African/African-American, 0.0013%; no homozygotes.

Submissions (7):

Labcorp Genetics (formerly Invitae), Labcorp
Classification: Benign for Tuberous sclerosis 2. Last evaluated: 2025-12-03. Review status: criteria provided, single submitter. Criteria: Invitae Variant Classification Sherloc (09022015). Collection method: clinical testing. Allele origin: germline.

Ambry Genetics
Classification: Uncertain significance for Hereditary cancer-predisposing syndrome. Last evaluated: 2024-02-26. Review status: criteria provided, single submitter. Criteria: Ambry Variant Classification Scheme 2023. Collection method: clinical testing. Allele origin: germline.
Comment: The p.A1163S variant (also known as c.3487G>T), located in coding exon 29 of the TSC2 gene, results from a G to T substitution at nucleotide position 3487. The alanine at codon 1163 is replaced by serine, an amino acid with similar properties. This amino acid position is not well conserved in available vertebrate species. In addition, the in silico prediction for this alteration is inconclusive. Since supporting evidence is limited at this time, the clinical significance of this alteration remains unclear.

Fulgent Genetics
Classification: Uncertain significance for Lymphangiomyomatosis; Isolated focal cortical dysplasia type II; Tuberous sclerosis 2. Last evaluated: 2024-01-23. Review status: criteria provided, single submitter. Criteria: ACMG Guidelines, 2015. Collection method: clinical testing. Allele origin: germline.

All of Us Research Program, National Institutes of Health
Classification: Uncertain significance for Tuberous sclerosis syndrome. Last evaluated: 2023-10-06. Review status: criteria provided, single submitter. Criteria: ACMG Guidelines, 2015. Collection method: clinical testing. Allele origin: germline. Inheritance: Autosomal dominant inheritance. Observed: 6 variant alleles, 6 heterozygotes.
Comment: This missense variant replaces alanine with serine at codon 1163 of the TSC2 protein. Computational prediction suggests that this variant may not impact protein structure and function (internally defined REVEL score threshold <= 0.5, PMID: 27666373). To our knowledge, functional studies have not been reported for this variant. This variant has not been reported in individuals affected with tuberous sclerosis complex in the literature. This variant has been identified in 1/250222 chromosomes in the general population by the Genome Aggregation Database (gnomAD). The available evidence is insufficient to determine the role of this variant in disease conclusively. Therefore, this variant is classified as a Variant of Uncertain Significance.

This study involves interpretation of variants in research participants for the purpose of population health screening. Participant phenotype was not available at the time of variant classification. Additional details can be found in publication PMID: 35346344, PMCID: PMC8962531

Genome-Nilou Lab
Classification: Likely benign for Tuberous sclerosis 2. Last evaluated: 2021-11-07. Review status: criteria provided, single submitter. Criteria: ACMG Guidelines, 2015. Collection method: clinical testing. Allele origin: germline. Affected: no.

Blueprint Genetics
Classification: Uncertain significance. Last evaluated: 2020-09-30. Review status: criteria provided, single submitter. Criteria: ACMG Guidelines, 2015. Collection method: clinical testing. Allele origin: germline.

Illumina Laboratory Services, Illumina
Classification: Benign for Tuberous sclerosis syndrome. Last evaluated: 2018-01-13. Review status: criteria provided, single submitter. Criteria: ICSL Variant Classification Criteria 13 December 2019. Collection method: clinical testing. Allele origin: germline.
Comment: This variant was observed in the ICSL laboratory as part of a predisposition screen in an ostensibly healthy population. It had not been previously curated by ICSL or reported in the Human Gene Mutation Database (HGMD: prior to June 1st, 2018), and was therefore a candidate for classification through an automated scoring system. Utilizing variant allele frequency, disease prevalence and penetrance estimates, and inheritance mode, an automated score was calculated to assess if this variant is too frequent to cause the disease. Based on the score and internal cut-off values, a variant classified as benign is not then subjected to further curation. The score for this variant resulted in a classification of benign for this disease.

NM_000548.5(TSC2):c.3487G>T (p.Ala1163Ser)

Gene: TSC2 (TSC complex subunit 2; plus strand). Cytogenetic location: 16p13.3.
Variant type: single nucleotide variant.
Coding change: c.3487G>T on transcript NM_000548.5 (MANE Select); coding-DNA position 3487, G replaced by T.
Protein change: p.Ala1163Ser; replaces alanine 1163 with serine.
Molecular consequence: missense variant.
Genome position (GRCh38, 1-based): chr16:2,080,254, G>T. VCF-style: chr16-2080254-G-T. GRCh37 (hg19) VCF-style: chr16-2130255-G-T.
Other names: c.3355G>T, p.Ala1119Ser (NM_001077183.3, NM_001370404.1); c.3487G>T, p.Ala1163Ser (NM_001114382.3); c.3247G>T, p.Ala1083Ser (NM_001318827.2); c.3211G>T, p.Ala1071Ser (NM_001318829.2); c.2755G>T, p.Ala919Ser (NM_001318831.2); c.3388G>T, p.Ala1130Ser (NM_001318832.2); c.3358G>T, p.Ala1120Ser (NM_001363528.2, NM_001370405.1, NM_021055.3); short protein forms A1163S, A1119S, A1130S, A919S, A1071S, A1083S, A1120S.
Identifiers: ClinVar variation 565488 (VCV000565488.24), dbSNP rs560522093, ClinGen allele CA047139.